The following is an entry in ClinVar:

NM_001130009.3(GEN1):c.343_347del (p.Arg115fs)

Gene: GEN1 (GEN1 structure-specific endonuclease; plus strand). Cytogenetic location: 2p24.2.
Variant type: Deletion.
Coding change: c.343_347del on transcript NM_001130009.3 (MANE Select); coding-DNA positions 343 to 347, 5 bases deleted (AGAGA; older notation c.343_347delAGAGA).
Protein change: p.Arg115fs; shifts the reading frame from arginine 115.
Molecular consequence: frameshift variant.
Genome position (GRCh38, 1-based): chr2:17,761,577-17,761,581, AGAGA deleted; deleting any 5 consecutive bases within chr2:17,761,576-17,761,581 gives the same sequence; the c. name uses the placement nearest the transcript's 3' end. VCF-style (leftmost placement, unchanged base first): chr2-17761575-TAAGAG-T. GRCh37 (hg19) VCF-style: chr2-17942842-TAAGAG-T.
Other names: c.343_347del, p.Arg115fs (NM_182625.5); short protein forms R115fs.
Identifiers: ClinVar variation 1390491 (VCV001390491.6), dbSNP rs1671679430, ClinGen allele CA1028018233.

ClinVar aggregate classification (germline): Uncertain significance (1 of 4 stars; one submission).

Submission:

Labcorp Genetics (formerly Invitae), Labcorp
Classification: Uncertain significance. Last evaluated: 2021-05-17. Review status: criteria provided, single submitter. Criteria: Invitae Variant Classification Sherloc (09022015). Collection method: clinical testing. Allele origin: germline.
Comment: This variant has not been reported in the literature in individuals with GEN1-related conditions. In summary, the available evidence is currently insufficient to determine the role of this variant in disease. Therefore, it has been classified as a Variant of Uncertain Significance. This variant is not present in population databases (ExAC no frequency). This sequence change creates a premature translational stop signal (p.Arg115Valfs*20) in the GEN1 gene. It is expected to result in an absent or disrupted protein product. However, the current clinical and genetic evidence is not sufficient to establish whether loss-of-function variants in GEN1 cause disease.